The following is an entry in ClinVar:

NM_001374736.1(DST):c.18908C>T (p.Ser6303Leu)

Gene: DST (dystonin; minus strand). Cytogenetic location: 6p12.1.
Variant type: single nucleotide variant.
Coding change: c.18908C>T on transcript NM_001374736.1 (MANE Select); coding-DNA position 18908, C replaced by T.
Protein change: p.Ser6303Leu; replaces serine 6303 with leucine.
Molecular consequence: missense variant.
Genome position (GRCh38, 1-based): chr6:56,509,746, G>A on the plus strand (C>T on the coding strand, the complement: DST is on the minus strand). VCF-style: chr6-56509746-G-A. GRCh37 (hg19) VCF-style: chr6-56374544-G-A.
Other names: c.12551C>T, p.Ser4184Leu (NM_001144769.5); c.12137C>T, p.Ser4046Leu (NM_001144770.2); c.18908C>T, p.Ser6303Leu (NM_001374722.1); c.17948C>T, p.Ser5983Leu (NM_001374729.1); c.11690C>T, p.Ser3897Leu (NM_001374730.1); c.18935C>T, p.Ser6312Leu (NM_001374734.1); c.11039C>T, p.Ser3680Leu (NM_015548.5); c.12017C>T, p.Ser4006Leu (NM_183380.4); short protein forms S4184L, S6303L, S6312L, S4006L, S5983L, S3680L, S3897L, S4046L.
Identifiers: ClinVar variation 967659 (VCV000967659.8), dbSNP rs775490741, ClinGen allele CA3867123.

ClinVar aggregate classification (germline): Uncertain significance (1 of 4 stars; one submission).

Conditions:
Hereditary sensory and autonomic neuropathy type 6. Also called: Neuropathy, hereditary sensory and autonomic, type VI; HSAN VI. Identifiers: Orphanet 314381, MedGen C3539003, MONDO:0013839, OMIM 614653.
Epidermolysis bullosa simplex 3, localized or generalized intermediate, with BP230 deficiency (EBS3). Also called: Epidermolysis bullosa simplex, autosomal recessive 2; Epidermolysis bullosa simplex due to BP230 deficiency. Identifiers: Orphanet 412181, MedGen C3809470, MONDO:0014180, OMIM 615425.

Allele frequency attached by ClinVar (database versions not stated): gnomAD exomes 0.00001 and 0.00004; ExAC 0.00003.
gnomAD v4.1: 15 of 1,613,588 alleles (0.00093%); highest among the groups gnomAD compares: East Asian, 0.031%; no homozygotes.

Submission:

Labcorp Genetics (formerly Invitae), Labcorp
Classification: Uncertain significance for Epidermolysis bullosa simplex 3, localized or generalized intermediate, with BP230 deficiency; Hereditary sensory and autonomic neuropathy type 6. Last evaluated: 2019-11-25. Review status: criteria provided, single submitter. Criteria: Invitae Variant Classification Sherloc (09022015). Collection method: clinical testing. Allele origin: germline.
Comment: In summary, the available evidence is currently insufficient to determine the role of this variant in disease. Therefore, it has been classified as a Variant of Uncertain Significance. Algorithms developed to predict the effect of missense changes on protein structure and function are either unavailable or do not agree on the potential impact of this missense change (SIFT: "Tolerated"; PolyPhen-2: "Not Available"; Align-GVGD: "Class C0"). This variant has not been reported in the literature in individuals with DST-related conditions. This variant is present in population databases (rs775490741, ExAC 0.05%). This sequence change replaces serine with leucine at codon 3680 of the DST protein (p.Ser3680Leu). The serine residue is moderately conserved and there is a large physicochemical difference between the two amino acids. The DST gene has multiple clinically relevant transcripts. This variant occurs in alternate transcript NM_015548.4, and corresponds to NM_001723.5:c.*105771C>T in the primary transcript.